The following is an entry in ClinVar:

ClinVar aggregate classification (germline): Uncertain significance (1 of 4 stars; one submission).

Allele frequency attached by ClinVar (database versions not stated): TOPMed below 0.00001.
gnomAD v4.1: 1 of 1,611,160 alleles (0.000062%); no homozygotes.

Submission:

Labcorp Genetics (formerly Invitae), Labcorp
Classification: Uncertain significance. Last evaluated: 2024-12-02. Review status: criteria provided, single submitter. Criteria: Invitae Variant Classification Sherloc (09022015). Collection method: clinical testing. Allele origin: germline.
Comment: This sequence change replaces glutamine, which is neutral and polar, with glutamic acid, which is acidic and polar, at codon 38 of the RGS9BP protein (p.Gln38Glu). This variant is not present in population databases (gnomAD no frequency). This variant has not been reported in the literature in individuals affected with RGS9BP-related conditions. ClinVar contains an entry for this variant (Variation ID: 1500404). An algorithm developed to predict the effect of missense changes on protein structure and function outputs the following: PolyPhen-2: "Benign". The glutamic acid amino acid residue is found in multiple mammalian species, which suggests that this missense change does not adversely affect protein function. In summary, the available evidence is currently insufficient to determine the role of this variant in disease. Therefore, it has been classified as a Variant of Uncertain Significance.

NM_207391.3(RGS9BP):c.112C>G (p.Gln38Glu)

Gene: RGS9BP (regulator of G protein signaling 9 binding protein; plus strand). Cytogenetic location: 19q13.11.
Variant type: single nucleotide variant.
Coding change: c.112C>G on transcript NM_207391.3 (MANE Select); coding-DNA position 112, C replaced by G.
Protein change: p.Gln38Glu; replaces glutamine 38 with glutamic acid.
Molecular consequence: missense variant.
Genome position (GRCh38, 1-based): chr19:32,676,375, C>G. VCF-style: chr19-32676375-C-G. GRCh37 (hg19) VCF-style: chr19-33167281-C-G.
Other names: short protein forms Q38E.
Identifiers: ClinVar variation 1500404 (VCV001500404.5), dbSNP rs1967998677, ClinGen allele CA405185416.